The following is an entry in ClinVar:

ClinVar aggregate classification (germline): Likely pathogenic (1 of 4 stars; one submission).

Submission:

GeneDx
Classification: Likely pathogenic. Last evaluated: 2020-07-12. Review status: criteria provided, single submitter. Criteria: GeneDx Variant Classification (06012015). Collection method: clinical testing. Allele origin: germline. Affected: yes.
Comment: In silico analysis supports that this missense variant has a deleterious effect on protein structure/function. Not observed in large population cohorts (Lek et al., 2016). A different missense change at this residue (G28R) has been observed as pathogenic in internal GeneDx whole exome sequencing data in association with developmental delay, autism, dysmorphic features, seizures, myopia, and strabismus. We interpret G28A as a likely pathogenic variant.

NM_015076.5(CDK19):c.83G>C (p.Gly28Ala)

Genes: CDK19 (cyclin dependent kinase 19; minus strand), AMD1 (adenosylmethionine decarboxylase 1; plus strand). Cytogenetic location: 6q21.
Variant type: single nucleotide variant.
Coding change: c.83G>C on transcript NM_015076.5 (MANE Select); coding-DNA position 83, G replaced by C.
Protein change: p.Gly28Ala; replaces glycine 28 with alanine.
Molecular consequence: missense variant. On other transcripts: intron variant (3).
Genome position (GRCh38, 1-based): chr6:110,815,054, C>G on the plus strand (G>C on the coding strand, the complement: CDK19 is on the minus strand). VCF-style: chr6-110815054-C-G. GRCh37 (hg19) VCF-style: chr6-111136257-C-G.
Other names: c.83G>C, p.Gly28Ala (NM_001300960.2); c.-53+754G>C (NM_001300964.2); c.-115+517G>C (NM_001300963.2); c.-98+239C>G (NM_001287215.2); short protein forms G28A.
Identifiers: ClinVar variation 973825 (VCV000973825.3), dbSNP rs1783518890, ClinGen allele CA365245601.
Genomic context (GRCh38, chr6:110,815,054, plus strand): 5'-CGCCCCTGCTCTTACCCATCTTTCCGCCTCGCCTTGTAGACGTGACCGTAGGTGCCGCGT[C>G]CCACTTTGCACCCTTCGTACTCAAACAAATCCTCCACCCGCTCCCGCTCCGCCGCCAGCT-3'
Protein context (NP_055891.1, residues 18-38): DLFEYEGCKV[Gly28Ala]RGTYGHVYKA